The following is an entry in ClinVar:

ClinVar aggregate classification (germline): Uncertain significance (1 of 4 stars; one submission).

gnomAD v4.1: 10 of 1,576,906 alleles (0.00063%); highest among the groups gnomAD compares: South Asian, 0.011%; no homozygotes.

Submission:

Labcorp Genetics (formerly Invitae), Labcorp
Classification: Uncertain significance. Last evaluated: 2025-08-07. Review status: criteria provided, single submitter. Criteria: Invitae Variant Classification Sherloc (09022015). Collection method: clinical testing. Allele origin: germline.
Comment: This sequence change falls in intron 7 of the IFNAR2 gene. It does not directly change the encoded amino acid sequence of the IFNAR2 protein. This variant is present in population databases (rs547592626, gnomAD 0.01%). This variant has not been reported in the literature in individuals affected with IFNAR2-related conditions. Algorithms developed to predict the effect of sequence changes on RNA splicing suggest that this variant may disrupt the consensus splice site. In summary, the available evidence is currently insufficient to determine the role of this variant in disease. Therefore, it has been classified as a Variant of Uncertain Significance.

NM_001289125.3(IFNAR2):c.710-11T>G

Genes: IFNAR2 (interferon alpha and beta receptor subunit 2; plus strand), IFNAR2-IL10RB (IFNAR2-IL10RB readthrough; plus strand). Cytogenetic location: 21q22.11.
Variant type: single nucleotide variant.
Coding change: c.710-11T>G on transcript NM_001289125.3 (MANE Select); 11 bases into the intron before coding-DNA position 710, T replaced by G.
Molecular consequence: intron variant.
Genome position (GRCh38, 1-based): chr21:33,260,586, T>G. VCF-style: chr21-33260586-T-G. GRCh37 (hg19) VCF-style: chr21-34632891-T-G.
Other names: c.709+7756T>G (NM_001414505.1); c.710-11T>G (NM_000874.5, NM_207584.3, NM_207585.3 and 1 more transcripts); c.710-2207T>G (NM_001289128.2, NM_001289126.2); c.710-1975T>G (NM_001385054.1).
Identifiers: ClinVar variation 4761949 (VCV004761949.1).